The following is an entry in ClinVar:

NM_001042492.3(NF1):c.952_953del (p.Glu318fs)

Gene: NF1 (neurofibromin 1; plus strand). Cytogenetic location: 17q11.2.
Variant type: Deletion.
Coding change: c.952_953del on transcript NM_001042492.3 (MANE Select); coding-DNA positions 952 to 953, 2 bases deleted (GA; older notation c.952_953delGA).
Protein change: p.Glu318fs; shifts the reading frame from glutamic acid 318.
Molecular consequence: frameshift variant.
Genome position (GRCh38, 1-based): chr17:31,200,485-31,200,486, GA deleted; deleting any 2 consecutive bases within chr17:31,200,484-31,200,486 gives the same sequence; the c. name uses the placement nearest the transcript's 3' end. VCF-style (leftmost placement, unchanged base first): chr17-31200483-CAG-C. GRCh37 (hg19) VCF-style: chr17-29527501-CAG-C.
Other names: c.952_953delGA (NM_000267.3); c.952_953delGA, p.Glu318Lysfs (NM_000267.4); c.952_953del, p.Glu318fs (NM_001128147.3); short protein forms E318fs.
Identifiers: ClinVar variation 863185 (VCV000863185.16), dbSNP rs2066507116, ClinGen allele CA645571210.

ClinVar aggregate classification (germline): Pathogenic. Review status: criteria provided, multiple submitters, no conflicts (2 of 4 stars). 7 submissions from 7 submitters: Pathogenic (7). Last evaluated 2025-01-21.

Conditions:
Juvenile myelomonocytic leukemia (JMML). Also called: LEUKEMIA, JUVENILE MYELOMONOCYTIC, SOMATIC. Identifiers: Orphanet 86834, MedGen C0349639, MONDO:0011908, OMIM 607785, HP:0012209.
NF1-related disorder. Also called: NF1-related condition. Identifiers: MedGen CN379171.
Neurofibromatosis, type 1 (NF1). Also called: NEUROFIBROMATOSIS, TYPE I, SOMATIC; Neurofibromatosis, type I; VON RECKLINGHAUSEN DISEASE; Peripheral type neurofibromatosis. Identifiers: Orphanet 636, MedGen C0027831, MONDO:0018975, OMIM 162200. Disease mechanism: loss of function.
Hereditary cancer-predisposing syndrome. Also called: Neoplastic Syndromes, Hereditary; Tumor predisposition; Hereditary Cancer Syndrome; Hereditary neoplastic syndrome. Identifiers: Orphanet 140162, MedGen C0027672, MeSH D009386, MONDO:0015356.
Cardiovascular phenotype. Identifiers: MedGen CN230736.

Submissions (7):

Labcorp Genetics (formerly Invitae), Labcorp
Classification: Pathogenic for Neurofibromatosis, type 1. Last evaluated: 2025-01-21. Review status: criteria provided, single submitter. Criteria: Invitae Variant Classification Sherloc (09022015). Collection method: clinical testing. Allele origin: germline.
Comment: This sequence change creates a premature translational stop signal (p.Glu318Lysfs*11) in the NF1 gene. It is expected to result in an absent or disrupted protein product. Loss-of-function variants in NF1 are known to be pathogenic (PMID: 10712197, 23913538). This variant is not present in population databases (gnomAD no frequency). This premature translational stop signal has been observed in individual(s) with clinical features of neurofibromatosis type 1 (PMID: 23913538). ClinVar contains an entry for this variant (Variation ID: 863185). RNA analysis provides insufficient evidence to determine the effect of this variant on NF1 splicing (internal data). For these reasons, this variant has been classified as Pathogenic.

GeneDx
Classification: Pathogenic. Last evaluated: 2023-07-17. Review status: criteria provided, single submitter. Criteria: GeneDx Variant Classification Process June 2021. Collection method: clinical testing. Allele origin: germline. Affected: yes.
Comment: Frameshift variant predicted to result in protein truncation or nonsense mediated decay in a gene for which loss of function is a known mechanism of disease; Not observed at significant frequency in large population cohorts (gnomAD); This variant is associated with the following publications: (PMID: 31766501, 23913538)

Genome-Nilou Lab
Classification: Pathogenic for Neurofibromatosis, type 1. Last evaluated: 2022-03-15. Review status: criteria provided, single submitter. Criteria: ACMG Guidelines, 2015. Collection method: clinical testing. Allele origin: germline. Affected: no.

Baylor Genetics
Classification: Pathogenic for Juvenile myelomonocytic leukemia. Last evaluated: 2022-02-21. Review status: criteria provided, single submitter. Criteria: ACMG Guidelines, 2015. Collection method: clinical testing. Allele origin: unknown.

Ambry Genetics
Classification: Pathogenic for Cardiovascular phenotype; Hereditary cancer-predisposing syndrome. Last evaluated: 2020-02-04. Review status: criteria provided, single submitter. Criteria: Ambry Variant Classification Scheme 2023. Collection method: clinical testing. Allele origin: germline.
Comment: The c.952_953delGA pathogenic mutation, located in coding exon 9 of the NF1 gene, results from a deletion of two nucleotides at nucleotide positions 952 to 953, causing a translational frameshift with a predicted alternate stop codon (p.E318Kfs*11). This alteration was found in 1/565 French patients with neurofibromatosis type 1 (Sabbagh A et al. Hum. Mutat., 2013 Nov;34:1510-8). In addition to the clinical data presented in the literature, this alteration is expected to result in loss of function by premature protein truncation or nonsense-mediated mRNA decay. As such, this alteration is interpreted as a disease-causing mutation.

Blueprint Genetics
Classification: Pathogenic for NF1-related disorders. Last evaluated: 2020-01-17. Review status: criteria provided, single submitter. Criteria: ACMG Guidelines, 2015. Collection method: clinical testing. Allele origin: germline. Affected: yes. Observed: 1 variant allele.

Juno Genomics, Hangzhou Juno Genomics, Inc
Classification: Pathogenic for Neurofibromatosis, type 1. Review status: criteria provided, single submitter. Criteria: ACMG Guidelines, 2015. Collection method: clinical testing. Allele origin: germline. Affected: yes.
Comment: Null variant in a gene where loss of function (LOF) is a known mechanism of disease.;Absent from controls (or at extremely low frequency if recessive) in Genome Aggregation Database, Exome Sequencing Project, 1000 Genomes Project, or Exome Aggregation Consortium.;The prevalence of the variant in affected individuals is significantly increased compared to the prevalence in controls.;Assumed de novo, but without confirmation of paternity and maternity.

Literature cited by the submitters: PubMed 10712197 (cited by Labcorp Genetics (formerly Invitae), Labcorp); PubMed 23913538 (cited by Labcorp Genetics (formerly Invitae), Labcorp).